The following is an entry in ClinVar:

NM_000234.3(LIG1):c.2616C>T (p.Phe872=)

Gene: LIG1 (DNA ligase 1; minus strand). Cytogenetic location: 19q13.33.
Variant type: single nucleotide variant.
Coding change: c.2616C>T on transcript NM_000234.3 (MANE Select); coding-DNA position 2616, C replaced by T.
Protein change: p.Phe872=; no amino-acid change (phenylalanine 872 retained).
Molecular consequence: synonymous variant. On other transcripts: non-coding transcript variant (6).
Genome position (GRCh38, 1-based): chr19:48,115,933, G>A on the plus strand (C>T on the coding strand, the complement: LIG1 is on the minus strand). VCF-style: chr19-48115933-G-A. GRCh37 (hg19) VCF-style: chr19-48619190-G-A.
Other names: c.2616C>T (NM_000234.2); c.2523C>T, p.Phe841= (NM_001289063.2); c.2412C>T, p.Phe804= (NM_001289064.2); c.2613C>T, p.Phe871= (NM_001320970.2); c.2526C>T, p.Phe842= (NM_001320971.2).
Identifiers: ClinVar variation 2818292 (VCV002818292.5), dbSNP rs2032775952, ClinGen allele CA508008287.

ClinVar aggregate classification (germline): Likely benign. Review status: criteria provided, single submitter (1 of 4 stars). 2 submissions from 2 submitters: Likely benign (1). 1 of the submissions does not count toward it. Last evaluated 2025-01-30.

Conditions:
LIG1-related disorder. Also called: LIG1-related condition.

Allele frequency attached by ClinVar (database versions not stated): gnomAD exomes below 0.00001; TOPMed below 0.00001.
gnomAD v4.1: 1 of 1,613,976 alleles (0.000062%); highest among the groups gnomAD compares: Non-Finnish European, 0.000085%; no homozygotes.

Submissions (2):

Labcorp Genetics (formerly Invitae), Labcorp
Classification: Likely benign. Last evaluated: 2025-01-30. Review status: criteria provided, single submitter. Criteria: Invitae Variant Classification Sherloc (09022015). Collection method: clinical testing. Allele origin: germline.

PreventionGenetics, part of Exact Sciences
Classification: Likely benign for LIG1-related condition. Last evaluated: 2024-02-01. Review status: no assertion criteria provided. Collection method: clinical testing. Allele origin: germline. Not counted in ClinVar's aggregate classification.
Comment: This variant is classified as likely benign based on ACMG/AMP sequence variant interpretation guidelines (Richards et al. 2015 PMID: 25741868, with internal and published modifications).